The following is an entry in ClinVar:

ClinVar aggregate classification (germline): Uncertain significance (1 of 4 stars; one submission).

Allele frequency attached by ClinVar (database versions not stated): ExAC 0.00001.

Submission:

Labcorp Genetics (formerly Invitae), Labcorp
Classification: Uncertain significance. Last evaluated: 2023-11-20. Review status: criteria provided, single submitter. Criteria: Invitae Variant Classification Sherloc (09022015). Collection method: clinical testing. Allele origin: germline.
Comment: This sequence change replaces isoleucine, which is neutral and non-polar, with valine, which is neutral and non-polar, at codon 1133 of the SIN3A protein (p.Ile1133Val). This variant is present in population databases (rs749092824, gnomAD 0.003%). This variant has not been reported in the literature in individuals affected with SIN3A-related conditions. Advanced modeling of protein sequence and biophysical properties (such as structural, functional, and spatial information, amino acid conservation, physicochemical variation, residue mobility, and thermodynamic stability) performed at Invitae indicates that this missense variant is not expected to disrupt SIN3A protein function with a negative predictive value of 80%. In summary, the available evidence is currently insufficient to determine the role of this variant in disease. Therefore, it has been classified as a Variant of Uncertain Significance.

NM_001145358.2(SIN3A):c.3397A>G (p.Ile1133Val)

Gene: SIN3A (SIN3 transcription regulator family member A; minus strand). Cytogenetic location: 15q24.2.
Variant type: single nucleotide variant.
Coding change: c.3397A>G on transcript NM_001145358.2 (MANE Select); coding-DNA position 3397, A replaced by G.
Protein change: p.Ile1133Val; replaces isoleucine 1133 with valine.
Molecular consequence: missense variant.
Genome position (GRCh38, 1-based): chr15:75,375,859, T>C on the plus strand (A>G on the coding strand, the complement: SIN3A is on the minus strand). VCF-style: chr15-75375859-T-C. GRCh37 (hg19) VCF-style: chr15-75668200-T-C.
Other names: c.3397A>G, p.Ile1133Val (NM_001145357.2, NM_015477.3); short protein forms I1133V.
Identifiers: ClinVar variation 2799526 (VCV002799526.3), dbSNP rs749092824, ClinGen allele CA7667240.
Genomic context (GRCh38, chr15:75,375,859, plus strand): 5'-TGCTGTTTCCTTCCTTCCCTTCCTTTTCCTGCTGCTCTCGACCACGTTGACACTTCCGGA[T>C]CCGCCGTAGATTCCTATTGCAGAAAAGCCCCGGAGGATGAGAGCTCGTCCAGATGCAGAT-3'
Protein context (NP_001138830.1, residues 1123-1143): PVFLPRNLRR[Ile1133Val]RKCQRGREQQ